The following is an entry in ClinVar:

NM_001360016.2(G6PD):c.41G>T (p.Gly14Val)

Genes: G6PD (glucose-6-phosphate dehydrogenase; minus strand), IKBKG (inhibitor of nuclear factor kappa B kinase regulatory subunit gamma; plus strand). Cytogenetic location: Xq28.
Variant type: single nucleotide variant.
Coding change: c.41G>T on transcript NM_001360016.2 (MANE Select); coding-DNA position 41, G replaced by T.
Protein change: p.Gly14Val; replaces glycine 14 with valine.
Molecular consequence: missense variant. On other transcripts: intron variant (4).
Genome position (GRCh38, 1-based): chrX:154,546,115, C>A on the plus strand (G>T on the coding strand, the complement: G6PD is on the minus strand). VCF-style: chrX-154546115-C-A. GRCh37 (hg19) VCF-style: chrX-153774330-C-A.
Other names: c.131G>T, p.Gly44Val (NM_000402.4); c.41G>T, p.Gly14Val (NM_001042351.3); c.-16+4724C>A (NM_001377312.1, NM_001377313.1); c.189+3663C>A (NM_001099856.6); c.-16+3728C>A (NM_001321396.3); short protein forms G14V, G44V.
Identifiers: ClinVar variation 3014677 (VCV003014677.3), dbSNP rs2523308911, ClinGen allele CA415202451.

ClinVar aggregate classification (germline): Uncertain significance (1 of 4 stars; one submission).

Conditions:
Anemia, nonspherocytic hemolytic, due to G6PD deficiency (CNSHA1). Also called: Hemolytic anemia due to G6PD deficiency; Class I glucose-6-phosphate dehydrogenase deficiency; Favism, susceptibility to; ANEMIA, CONGENITAL, NONSPHEROCYTIC HEMOLYTIC, 1. Identifiers: Orphanet 466026, MedGen C2720289, MONDO:0010480, OMIM 300908.

Submission:

Labcorp Genetics (formerly Invitae), Labcorp
Classification: Uncertain significance for Anemia, nonspherocytic hemolytic, due to G6PD deficiency. Last evaluated: 2025-05-11. Review status: criteria provided, single submitter. Criteria: Invitae Variant Classification Sherloc (09022015). Collection method: clinical testing. Allele origin: germline.
Comment: This sequence change replaces glycine, which is neutral and non-polar, with valine, which is neutral and non-polar, at codon 14 of the G6PD protein (p.Gly14Val). This variant is not present in population databases (gnomAD no frequency). This variant has not been reported in the literature in individuals affected with G6PD-related conditions. ClinVar contains an entry for this variant (Variation ID: 3014677). Invitae Evidence Modeling of protein sequence and biophysical properties (such as structural, functional, and spatial information, amino acid conservation, physicochemical variation, residue mobility, and thermodynamic stability) indicates that this missense variant is expected to disrupt G6PD protein function with a positive predictive value of 95%. In summary, the available evidence is currently insufficient to determine the role of this variant in disease. Therefore, it has been classified as a Variant of Uncertain Significance.